The following is an entry in ClinVar:

NM_001130438.3(SPTAN1):c.1711G>A (p.Asp571Asn)

Gene: SPTAN1 (spectrin alpha, non-erythrocytic 1; plus strand). Cytogenetic location: 9q34.11.
Variant type: single nucleotide variant.
Coding change: c.1711G>A on transcript NM_001130438.3 (MANE Select); coding-DNA position 1711, G replaced by A.
Protein change: p.Asp571Asn; replaces aspartic acid 571 with asparagine.
Molecular consequence: missense variant.
Genome position (GRCh38, 1-based): chr9:128,582,754, G>A. VCF-style: chr9-128582754-G-A. GRCh37 (hg19) VCF-style: chr9-131345033-G-A.
Other names: c.1711G>A, p.Asp571Asn (NM_001195532.2, NM_001363759.2, NM_001363765.2 and 5 more transcripts); c.1747G>A, p.Asp583Asn (NM_001375312.2, NM_001375318.1); short protein forms D571N, D583N.
Identifiers: ClinVar variation 2146465 (VCV002146465.6), dbSNP rs1564223801, ClinGen allele CA375055007.

ClinVar aggregate classification (germline): Uncertain significance. Review status: criteria provided, multiple submitters, no conflicts (2 of 4 stars). 2 submissions from 2 submitters: Uncertain significance (2). Last evaluated 2026-01-19.

Conditions:
Developmental and epileptic encephalopathy, 5 (DEE5). Identifiers: Orphanet 3451, MedGen C3150731, MONDO:0013277, OMIM 613477.
Early-infantile DEE. Also called: Early infantile epileptic encephalopathy; Ohtahara syndrome; Early infantile epileptic encephalopathy with suppression bursts. Identifiers: Orphanet 1934, MedGen C0393706, MONDO:0800491.

Allele frequency attached by ClinVar (database versions not stated): gnomAD exomes below 0.00001; gnomAD 0.00001; TOPMed 0.00001.

Submissions (2):

Dasa
Classification: Uncertain significance for Developmental and epileptic encephalopathy, 5. Last evaluated: 2026-01-19. Review status: criteria provided, single submitter. Criteria: DASA Assertion Criteria. Collection method: clinical testing. Allele origin: germline.
Comment: NM_001130438.3(SPTAN1):c.1711G>A (p.Asp571Asn) is a missense variant that results in the substitution of aspartic acid with asparagine. This variant is rare in population databases. The currently available literature and clinical evidence are not sufficient to establish a definitive association between this variant and the reported condition. Therefore, this variant is classified as a variant of uncertain significance.

Labcorp Genetics (formerly Invitae), Labcorp
Classification: Uncertain significance for Early-infantile DEE. Last evaluated: 2025-03-10. Review status: criteria provided, single submitter. Criteria: Invitae Variant Classification Sherloc (09022015). Collection method: clinical testing. Allele origin: germline.
Comment: This sequence change replaces aspartic acid, which is acidic and polar, with asparagine, which is neutral and polar, at codon 571 of the SPTAN1 protein (p.Asp571Asn). This variant is not present in population databases (gnomAD no frequency). This variant has not been reported in the literature in individuals affected with SPTAN1-related conditions. ClinVar contains an entry for this variant (Variation ID: 2146465). Invitae Evidence Modeling of protein sequence and biophysical properties (such as structural, functional, and spatial information, amino acid conservation, physicochemical variation, residue mobility, and thermodynamic stability) has been performed for this missense variant. However, the output from this modeling did not meet the statistical confidence thresholds required to predict the impact of this variant on SPTAN1 protein function. In summary, the available evidence is currently insufficient to determine the role of this variant in disease. Therefore, it has been classified as a Variant of Uncertain Significance.